The following is an entry in ClinVar:

NM_007214.5(SEC63):c.1605dup (p.Pro536fs)

Gene: SEC63 (SEC63 protein translocation regulator; minus strand). Cytogenetic location: 6q21.
Variant type: Duplication.
Coding change: c.1605dup on transcript NM_007214.5 (MANE Select); coding-DNA position 1605, one base duplicated (A; older notation c.1605dupA).
Protein change: p.Pro536fs; shifts the reading frame from proline 536.
Molecular consequence: frameshift variant.
Genome position (GRCh38, 1-based): chr6:107,893,551, T duplicated on the plus strand (A on the coding strand, the reverse complement: SEC63 is on the minus strand); the first of 10 consecutive T bases (chr6:107,893,551-107,893,560); duplicating any one gives the same sequence. VCF-style (leftmost placement, unchanged base first): chr6-107893550-G-GT. GRCh37 (hg19) VCF-style: chr6-108214754-G-GT.
Other names: c.1605dupA (NM_007214.4); short protein forms P536fs.
Identifiers: ClinVar variation 194646 (VCV000194646.12), dbSNP rs752868449, ClinGen allele CA201284.
Genomic context (GRCh38, chr6:107,893,550, plus strand): 5'-CGACTCCATTTGCCTGCTTTTGTTTCTGTTGCTTTGACTGTGGTAATAGCACAGGTGTAG[G>GT]TTTTTTTTTTAAAGGTTTCTTTTTTTTTGATTTAGCAGTTTTCTTGGGTCCTTTACTCTT-3'

ClinVar aggregate classification (germline): Conflicting classifications of pathogenicity. Review status: criteria provided, conflicting classifications (1 of 4 stars). 7 submissions from 7 submitters: Pathogenic (2); Likely pathogenic (3); Likely benign (1). 1 of the submissions does not count toward it. Last evaluated 2026-02-25.

Conditions:
SEC63-related disorder. Also called: SEC63-related condition.
Polycystic liver disease 2 (PCLD2). Also called: Polycystic liver disease 2 with or without kidney cysts. Identifiers: Orphanet 2924, MedGen C4310769, MONDO:0014860, OMIM 617004.

Submissions (7):

PreventionGenetics, part of Exact Sciences
Classification: Likely pathogenic for SEC63-related condition. Last evaluated: 2026-02-25. Review status: criteria provided, single submitter. Criteria: ACMG Guidelines, 2015. Collection method: clinical testing. Allele origin: germline.
Comment: The SEC63 c.1605dupA variant is predicted to result in a frameshift and premature protein termination (p.Pro536Thrfs*24). To our knowledge, this variant has not been reported in the literature. This variant is reported in 0.031% of alleles in individuals of European (Finnish) descent in gnomAD. Frameshift variants in SEC63 are expected to be pathogenic. This variant is interpreted as likely pathogenic.

Genetics and Genomic Medicine Centre, NeuroGen Healthcare, NeuroGen Healthcare
Classification: Likely pathogenic for Polycystic liver disease 2. Last evaluated: 2025-11-29. Review status: criteria provided, single submitter. Criteria: ACMG Guidelines, 2015. Collection method: clinical testing. Allele origin: unknown. Affected: yes.

Blueprint Genetics
Classification: Likely benign. Last evaluated: 2024-11-26. Review status: criteria provided, single submitter. Criteria: ACMG Guidelines, 2015. Collection method: clinical testing. Allele origin: germline.

Fulgent Genetics
Classification: Likely pathogenic for Polycystic liver disease 2. Last evaluated: 2021-07-10. Review status: criteria provided, single submitter. Criteria: ACMG Guidelines, 2015. Collection method: clinical testing. Allele origin: unknown.

Eurofins Ntd Llc (ga)
Classification: Pathogenic. Last evaluated: 2014-07-24. Review status: criteria provided, single submitter. Criteria: EGL Classification Definitions. Collection method: clinical testing. Allele origin: germline. Observed: 1 variant allele, 1 heterozygote.

Juno Genomics, Hangzhou Juno Genomics, Inc
Classification: Pathogenic for Polycystic liver disease 2. Review status: criteria provided, single submitter. Criteria: ACMG Guidelines, 2015. Collection method: clinical testing. Allele origin: germline.
Comment: Null variant in a gene where loss of function (LOF) is a known mechanism of disease.;Absent from controls (or at extremely low frequency if recessive) in Genome Aggregation Database.;Patient's phenotype or family history is highly specific for a disease with a single genetic etiology.

Genomics And Bioinformatics Analysis Resource, Columbia University
Classification: Likely pathogenic for Polycystic liver disease 2. Review status: no assertion criteria provided. Collection method: research. Allele origin: unknown. Affected: yes. Not counted in ClinVar's aggregate classification.